The following is an entry in ClinVar:

NM_002691.4(POLD1):c.1941del (p.Lys648fs)

Gene: POLD1 (DNA polymerase delta 1, catalytic subunit; plus strand). Cytogenetic location: 19q13.33.
Variant type: Deletion.
Coding change: c.1941del on transcript NM_002691.4 (MANE Select); coding-DNA position 1941, one base deleted (G; older notation c.1941delG).
Protein change: p.Lys648fs; shifts the reading frame from lysine 648.
Molecular consequence: frameshift variant. On other transcripts: non-coding transcript variant (1).
Genome position (GRCh38, 1-based): chr19:50,409,170, G deleted. VCF-style (leftmost placement, unchanged base first): chr19-50409169-TG-T. GRCh37 (hg19) VCF-style: chr19-50912426-TG-T.
Other names: c.1941del, p.Lys648fs (NM_001256849.1); c.2019del, p.Lys674fs (NM_001308632.1); c.1941delG (NM_002691.2); short protein forms K674fs, K648fs.
Identifiers: ClinVar variation 1037642 (VCV001037642.9), dbSNP rs2039005725, ClinGen allele CA2340886732.

ClinVar aggregate classification (germline): Uncertain significance. Review status: criteria provided, multiple submitters, no conflicts (2 of 4 stars). 2 submissions from 2 submitters: Uncertain significance (2). Last evaluated 2025-12-10.

Conditions:
POLD1-related polyposis and colorectal cancer syndrome (CRCS10). Also called: Colorectal cancer 10; COLORECTAL CANCER, SUSCEPTIBILITY TO, ON CHROMOSOME 19q; Colorectal cancer, susceptibility to, 10. Identifiers: Orphanet 220460, MedGen C2675481, MONDO:0012953, OMIM 612591.
Hereditary cancer-predisposing syndrome. Also called: Tumor predisposition; Hereditary Cancer Syndrome; Hereditary neoplastic syndrome; Neoplastic Syndromes, Hereditary. Identifiers: Orphanet 140162, MedGen C0027672, MeSH D009386, MONDO:0015356.

Allele frequency attached by ClinVar (database versions not stated): gnomAD exomes below 0.00001.

Submissions (2):

Labcorp Genetics (formerly Invitae), Labcorp
Classification: Uncertain significance for POLD1-related polyposis and colorectal cancer syndrome. Last evaluated: 2025-12-10. Review status: criteria provided, single submitter. Criteria: Invitae Variant Classification Sherloc (09022015). Collection method: clinical testing. Allele origin: germline.
Comment: This sequence change creates a premature translational stop signal (p.Lys648Argfs*46) in the POLD1 gene. Missense variants that disrupt the 3'-5' exonuclease (proof-reading) activity of the POLD1 protein are associated with PPAP (polymerase proofreading–associated polyposis) (PMID: 23263490, 23447401). However, loss-of-function variants that result in an absent or severely disrupted POLD1 protein, and missense variants outside the exonuclease domain, are unlikely to be associated with PPAP. This variant is not present in population databases (gnomAD no frequency). This premature translational stop signal has been observed in individual(s) with POLD1-related cancer risk (PMID: 36756361). It has also been observed to segregate with disease in related individuals. ClinVar contains an entry for this variant (Variation ID: 1037642). In summary, the available evidence is currently insufficient to determine the role of this variant in disease. Therefore, it has been classified as a Variant of Uncertain Significance.

Ambry Genetics
Classification: Uncertain significance for Hereditary cancer-predisposing syndrome. Last evaluated: 2025-02-05. Review status: criteria provided, single submitter. Criteria: Ambry Variant Classification Scheme 2023. Collection method: clinical testing. Allele origin: germline.
Comment: The c.1941delG variant, located in coding exon 15 of the POLD1 gene, results from a deletion of one nucleotide at nucleotide position 1941, causing a translational frameshift with a predicted alternate stop codon (p.K648Rfs*46). This alteration is expected to result in protein truncation or nonsense-mediated mRNA decay. However, loss of function of POLD1 has not been established as a mechanism of disease. Based on the available evidence, the clinical significance of this alteration remains unclear.

Literature cited by the submitters: PubMed 23263490 (cited by Labcorp Genetics (formerly Invitae), Labcorp); PubMed 23447401 (cited by Labcorp Genetics (formerly Invitae), Labcorp); PubMed 36756361 (cited by Labcorp Genetics (formerly Invitae), Labcorp).